The following is an entry in ClinVar:

NM_022455.5(NSD1):c.5059ATC[1] (p.Ile1688del)

Gene: NSD1 (nuclear receptor binding SET domain protein 1; plus strand). Cytogenetic location: 5q35.3.
Variant type: Microsatellite.
Coding change: c.5059ATC[1] on transcript NM_022455.5 (MANE Select); one copy of the 3-base unit ATC starting at c.5059; the reference has two copies in a row; one copy, 3 bases deleted.
Protein change: p.Ile1688del; deletes isoleucine 1688.
Molecular consequence: inframe deletion. On other transcripts: inframe indel (12).
Genome position (GRCh38, 1-based): chr5:177,260,084-177,260,086, ATC deleted; deleting any 3 consecutive bases within chr5:177,260,081-177,260,086 gives the same sequence; the position shown is the placement nearest the transcript's 3' end. VCF-style (leftmost placement, unchanged base first): chr5-177260080-TATC-T. GRCh37 (hg19) VCF-style: chr5-176687081-TATC-T.
Other names: c.5062_5064delATC (NM_022455.4); c.4186_4188ATC[1], p.Ile1397del (NM_001365684.2, NM_001409308.1, NM_001409309.1 and 1 more transcripts); c.5059_5061ATC[1], p.Ile1688del (NM_001409301.1, NM_001409302.1, NM_001409303.1); c.4639_4641ATC[1], p.Ile1548del (NM_001409304.1); c.4306_4308ATC[1], p.Ile1437del (NM_001409305.1); c.4297_4299ATC[1], p.Ile1434del (NM_001409306.1, NM_001409307.1); short protein forms I1688del, I1419del, I1397del, I1434del, I1548del, I1437del.
Identifiers: ClinVar variation 503656 (VCV000503656.2), dbSNP rs1554200200, ClinGen allele CA658796685.

ClinVar aggregate classification (germline): Likely pathogenic (1 of 4 stars; one submission).

Submission:

GeneDx
Classification: Likely pathogenic. Last evaluated: 2017-11-21. Review status: criteria provided, single submitter. Criteria: GeneDx Variant Classification (06012015). Collection method: clinical testing. Allele origin: germline. Affected: yes.
Comment: The c.5062_5064delATC variant has not been published as a pathogenic variant, nor has it been reported as a benign variant to our knowledge. This variant is not observed in large population cohorts (Lek et al., 2016). The c.5062_5064delATC variant results in an in-frame deletion of a single, conserved Isoleucine residue at codon 1688, denoted p.I1688del. However, other in-frame deletions or missense variants have not been reported at nearby residues in the Human Gene Mutation Database (Stenson et al., 2014).